The following is an entry in ClinVar:

NM_002972.4(SBF1):c.1876C>T (p.Arg626Cys)

Gene: SBF1 (SET binding factor 1; minus strand). Cytogenetic location: 22q13.33.
Variant type: single nucleotide variant.
Coding change: c.1876C>T on transcript NM_002972.4 (MANE Select); coding-DNA position 1876, C replaced by T.
Protein change: p.Arg626Cys; replaces arginine 626 with cysteine.
Molecular consequence: missense variant.
Genome position (GRCh38, 1-based): chr22:50,463,306, G>A on the plus strand (C>T on the coding strand, the complement: SBF1 is on the minus strand). VCF-style: chr22-50463306-G-A. GRCh37 (hg19) VCF-style: chr22-50901735-G-A.
Other names: c.1879C>T, p.Arg627Cys (NM_001365819.1); c.1876C>T (NM_002972.2); short protein forms R626C, R627C.
Identifiers: ClinVar variation 1369053 (VCV001369053.7), dbSNP rs765020097, ClinGen allele CA10317501.
Genomic context (GRCh38, chr22:50,463,306, plus strand): 5'-CCATGAGCCATGTCACTAGCAGGATAAGAGGCCTCACCTGCAGGCAGCAGTTCATCATAC[G>A]GACGACAAAGTCAAACTGCTGGTGGTCCAGGACCGCACGGTTCTGCTGCACATGCAGGTG-3'
Protein context (NP_002963.2, residues 616-636): LDHQQFDFVV[Arg626Cys]MMNCCLQDCT

ClinVar aggregate classification (germline): Uncertain significance. Review status: criteria provided, multiple submitters, no conflicts (2 of 4 stars). 2 submissions from 2 submitters: Uncertain significance (2). Last evaluated 2025-08-01.

Allele frequency attached by ClinVar (database versions not stated): gnomAD 0.00001; gnomAD exomes 0.00001 and 0.00002; ExAC 0.00003; TOPMed 0.00004.
gnomAD v4.1: 10 of 1,613,372 alleles (0.00062%); highest among the groups gnomAD compares: Admixed American, 0.0083%; no homozygotes.

Submissions (2):

Ambry Genetics
Classification: Uncertain significance. Last evaluated: 2025-08-01. Review status: criteria provided, single submitter. Criteria: Ambry Variant Classification Scheme 2023. Collection method: clinical testing. Allele origin: germline.

Labcorp Genetics (formerly Invitae), Labcorp
Classification: Uncertain significance. Last evaluated: 2021-06-23. Review status: criteria provided, single submitter. Criteria: Invitae Variant Classification Sherloc (09022015). Collection method: clinical testing. Allele origin: germline.
Comment: This sequence change replaces arginine with cysteine at codon 626 of the SBF1 protein (p.Arg626Cys). The arginine residue is highly conserved and there is a large physicochemical difference between arginine and cysteine. This variant is present in population databases (rs765020097, ExAC 0.03%). This variant has not been reported in the literature in individuals with SBF1-related conditions. Algorithms developed to predict the effect of missense changes on protein structure and function are either unavailable or do not agree on the potential impact of this missense change (SIFT: "Deleterious"; PolyPhen-2: "Probably Damaging"; Align-GVGD: "Class C0"). In summary, the available evidence is currently insufficient to determine the role of this variant in disease. Therefore, it has been classified as a Variant of Uncertain Significance.